The following is an entry in ClinVar:

ClinVar aggregate classification (germline): Pathogenic. Review status: criteria provided, multiple submitters, no conflicts (2 of 4 stars). 5 submissions from 5 submitters: Pathogenic (5). Last evaluated 2024-04-11.

Conditions:
CFTR-related disorder (CFTR-RD). Also called: CFTR-related condition; CFTR-related disorders. Identifiers: MedGen C5924204, MONDO:7770004.
Cystic fibrosis (CF). Also called: MUCOVISCIDOSIS. Identifiers: Orphanet 586, MedGen C0010674, MONDO:0009061, OMIM 219700. Disease mechanism: loss of function.

gnomAD v4.1: 1 of 1,587,096 alleles (0.000063%); no homozygotes.

Submissions (5):

Natera, Inc.
Classification: Pathogenic for CFTR-related disorders. Last evaluated: 2024-04-11. Review status: criteria provided, single submitter. Criteria: Natera Variant Classification Schema (03/2026). Collection method: clinical testing. Allele origin: germline.
Comment: The c.165-2A>G variant in CFTR is a canonical splice acceptor site variant predicted to affect pre-mRNA splicing, which may result in an abnormal transcript and altered protein product. This variant is expected to result in nonsense mediated decay, truncation, or a dysfunctional protein product. This variant is rare in the general population with a frequency below the threshold expected for the associated phenotype(s). This variant has been observed in one or more individuals affected with the associated recessive disease, as either homozygous or compound heterozygous with a second variant (PMID: 37050906, 28437538, 12000363). Given the available evidence, this variant is classified as Pathogenic.

Labcorp Genetics (formerly Invitae), Labcorp
Classification: Pathogenic for Cystic fibrosis. Last evaluated: 2022-12-22. Review status: criteria provided, single submitter. Criteria: Invitae Variant Classification Sherloc (09022015). Collection method: clinical testing. Allele origin: germline.
Comment: ClinVar contains an entry for this variant (Variation ID: 53315). For these reasons, this variant has been classified as Pathogenic. Algorithms developed to predict the effect of sequence changes on RNA splicing suggest that this variant may disrupt the consensus splice site. This variant is also known as 297-2A>G. Disruption of this splice site has been observed in individuals with cystic fibrosis (PMID: 10798368, 12000363, 16980811). This variant is not present in population databases (gnomAD no frequency). This sequence change affects an acceptor splice site in intron 2 of the CFTR gene. It is expected to disrupt RNA splicing. Variants that disrupt the donor or acceptor splice site typically lead to a loss of protein function (PMID: 16199547), and loss-of-function variants in CFTR are known to be pathogenic (PMID: 1695717, 7691345, 9725922).

Institute of Human Genetics, University of Leipzig Medical Center
Classification: Pathogenic for Cystic fibrosis. Last evaluated: 2022-09-05. Review status: criteria provided, single submitter. Criteria: ACMG Guidelines, 2015. Collection method: curation. Allele origin: unknown. Affected: yes. Observed: 2 variant alleles.
Comment: This variant was identified in 2 unrelated patients with a clinically confirmed diagnosis of cystic fibrosis. The variant was classified in the context of a project re-classifying variants in the German Cystic Fibrosis Registry (Muko.e.V.). Criteria applied: PVS1, PM2_SUP, PM3, PP4

Ambry Genetics
Classification: Pathogenic for Cystic fibrosis. Last evaluated: 2021-10-08. Review status: criteria provided, single submitter. Criteria: Ambry Variant Classification Scheme 2023. Collection method: clinical testing. Allele origin: germline.
Comment: The c.165-2A>G intronic pathogenic mutation, also known as 297-2A>G, results from an A to G substitution two nucleotides before coding exon 3 in the CFTR gene. The mutation was heterozygous and found to be in trans with c.2463_2464del (p.S821fs, also known as 2594delGT) on the other chromosome (Visich A et al. Clin. Genet., 2002 Mar;61:207-13). This variant is considered to be rare based on population cohorts in the Genome Aggregation Database (gnomAD). In silico splice site analysis predicts that this alteration will weaken the native splice acceptor site. In addition to the clinical data presented in the literature, alterations that disrupt the canonical splice site are expected to cause aberrant splicing, resulting in an abnormal protein or a transcript that is subject to nonsense-mediated mRNA decay. As such, this alteration is classified as a disease-causing mutation.

CFTR-France
Classification: Pathogenic for cystic fibrosis; CFTR-related disorders. Last evaluated: 2018-01-29. Review status: criteria provided, single submitter. Criteria: Claustres M et al. (Hum Mutat 2017). Collection method: curation. Allele origin: germline. Affected: yes.
Comment: the variant causes a phenotype but regarding our data, we can't formally attribute it to CF, CFTR-RD or both

Literature cited by the submitters: PubMed 37050906 (cited by Natera, Inc.); PubMed 28437538 (cited by Natera, Inc.); PubMed 12000363 (cited by 3 submitters); PubMed 10798368 (cited by Labcorp Genetics (formerly Invitae), Labcorp); PubMed 16980811 (cited by Labcorp Genetics (formerly Invitae), Labcorp); PubMed 16199547 (cited by Labcorp Genetics (formerly Invitae), Labcorp); PubMed 1695717 (cited by Labcorp Genetics (formerly Invitae), Labcorp); PubMed 7691345 (cited by Labcorp Genetics (formerly Invitae), Labcorp); PubMed 9725922 (cited by Labcorp Genetics (formerly Invitae), Labcorp).

NM_000492.4(CFTR):c.165-2A>G

Genes: CFTR (CF transmembrane conductance regulator; plus strand), LOC113664106 (CFTR intron 2 DNase I hypersensitive site; plus strand). Cytogenetic location: 7q31.2.
Variant type: single nucleotide variant.
Coding change: c.165-2A>G on transcript NM_000492.4 (MANE Select); the canonical splice acceptor site of the intron before coding-DNA position 165, A replaced by G.
Molecular consequence: splice acceptor variant.
Genome position (GRCh38, 1-based): chr7:117,509,032, A>G. VCF-style: chr7-117509032-A-G. GRCh37 (hg19) VCF-style: chr7-117149086-A-G.
Other names: 297-2A->G.
Identifiers: ClinVar variation 53315 (VCV000053315.8), dbSNP rs397508250, ClinGen allele CA326576.